The following is an entry in ClinVar:

ClinVar aggregate classification (germline): Uncertain significance (1 of 4 stars; one submission).

Allele frequency attached by ClinVar (database versions not stated): gnomAD 0.00001; TOPMed 0.00001.
gnomAD v4.1: 12 of 1,430,516 alleles (0.00084%); highest among the groups gnomAD compares: Non-Finnish European, 0.001%; no homozygotes.

Submission:

Labcorp Genetics (formerly Invitae), Labcorp
Classification: Uncertain significance. Last evaluated: 2024-02-18. Review status: criteria provided, single submitter. Criteria: Invitae Variant Classification Sherloc (09022015). Collection method: clinical testing. Allele origin: germline.
Comment: This sequence change replaces proline, which is neutral and non-polar, with leucine, which is neutral and non-polar, at codon 679 of the BCL11B protein (p.Pro679Leu). This variant is not present in population databases (gnomAD no frequency). This variant has not been reported in the literature in individuals affected with BCL11B-related conditions. ClinVar contains an entry for this variant (Variation ID: 1061799). Advanced modeling of protein sequence and biophysical properties (such as structural, functional, and spatial information, amino acid conservation, physicochemical variation, residue mobility, and thermodynamic stability) has been performed at Invitae for this missense variant, however the output from this modeling did not meet the statistical confidence thresholds required to predict the impact of this variant on BCL11B protein function. In summary, the available evidence is currently insufficient to determine the role of this variant in disease. Therefore, it has been classified as a Variant of Uncertain Significance.

NM_138576.4(BCL11B):c.2036C>T (p.Pro679Leu)

Gene: BCL11B (BCL11 transcription factor B; minus strand). Cytogenetic location: 14q32.2.
Variant type: single nucleotide variant.
Coding change: c.2036C>T on transcript NM_138576.4 (MANE Select); coding-DNA position 2036, C replaced by T.
Protein change: p.Pro679Leu; replaces proline 679 with leucine.
Molecular consequence: missense variant.
Genome position (GRCh38, 1-based): chr14:99,174,800, G>A on the plus strand (C>T on the coding strand, the complement: BCL11B is on the minus strand). VCF-style: chr14-99174800-G-A. GRCh37 (hg19) VCF-style: chr14-99641137-G-A.
Other names: c.2033C>T, p.Pro678Leu (NM_001282237.2); c.1820C>T, p.Pro607Leu (NM_001282238.2); c.1823C>T, p.Pro608Leu (NM_022898.3); short protein forms P607L, P608L, P678L, P679L.
Identifiers: ClinVar variation 1061799 (VCV001061799.7), dbSNP rs753657450, ClinGen allele CA390934094.